The following is an entry in ClinVar:

NM_000587.4(C7):c.281-3C>T

Gene: C7 (complement C7; plus strand). Cytogenetic location: 5p13.1.
Variant type: single nucleotide variant.
Coding change: c.281-3C>T on transcript NM_000587.4 (MANE Select); 3 bases into the intron before coding-DNA position 281, C replaced by T.
Molecular consequence: intron variant.
Genome position (GRCh38, 1-based): chr5:40,936,335, C>T. VCF-style: chr5-40936335-C-T. GRCh37 (hg19) VCF-style: chr5-40936437-C-T.
Identifiers: ClinVar variation 1403365 (VCV001403365.4), dbSNP rs374734263, ClinGen allele CA3249594.
Genomic context (GRCh38, chr5:40,936,335, plus strand): 5'-TCCTGGGTAGTGTTTCTCCTCTTCCCTCTTTTACATTTGCACGTGGATTTCTCTGGTGTT[C>T]AGGTCAGTGCATCAGCAAATCATTGGTTTGCAATGGGGATTCTGACTGTGATGAAGACAG-3'

ClinVar aggregate classification (germline): Uncertain significance (1 of 4 stars; one submission).

Allele frequency attached by ClinVar (database versions not stated): gnomAD exomes 0.00005; ExAC 0.00008; gnomAD 0.00020 and 0.00021; TOPMed 0.00026; ESP Exome Variant Server 0.00041.
gnomAD v4.1: 70 of 1,612,840 alleles (0.0043%); highest among the groups gnomAD compares: African/African-American, 0.091%; no homozygotes.

Submission:

Labcorp Genetics (formerly Invitae), Labcorp
Classification: Uncertain significance. Last evaluated: 2025-04-26. Review status: criteria provided, single submitter. Criteria: Invitae Variant Classification Sherloc (09022015). Collection method: clinical testing. Allele origin: germline.
Comment: This sequence change falls in intron 4 of the C7 gene. It does not directly change the encoded amino acid sequence of the C7 protein. It affects a nucleotide within the consensus splice site. This variant is present in population databases (rs374734263, gnomAD 0.07%). This variant has not been reported in the literature in individuals affected with C7-related conditions. ClinVar contains an entry for this variant (Variation ID: 1403365). Variants that disrupt the consensus splice site are a relatively common cause of aberrant splicing (PMID: 17576681, 9536098). Algorithms developed to predict the effect of sequence changes on RNA splicing suggest that this variant is not likely to affect RNA splicing. In summary, the available evidence is currently insufficient to determine the role of this variant in disease. Therefore, it has been classified as a Variant of Uncertain Significance.

Literature cited by the submitters: PubMed 17576681; PubMed 9536098.